The following is an entry in ClinVar:

ClinVar aggregate classification (germline): Uncertain significance (1 of 4 stars; one submission).

Conditions:
LEO1-related disorder. Also called: LEO1-related condition.

Submission:

3billion
Classification: Uncertain significance for LEO1-related disorder. Last evaluated: 2025-11-26. Review status: criteria provided, single submitter. Criteria: ACMG Guidelines, 2015. Collection method: clinical testing. Allele origin: germline. Affected: yes.
Comment: The variant is not observed in the gnomAD v4.1.0 dataset. Predicted Consequence/Location: Intron variant In silico tools predict the variant to alter splicing and produce an abnormal transcript [SpliceAI: 0.52 (>=0.2, moderate evidence for spliceogenicity)]. Therefore, this variant is classified as VUS according to the recommendation of ACMG/AMP guideline.

NM_138792.4(LEO1):c.1246-11T>G

Gene: LEO1 (LEO1 component of Paf1/RNA polymerase II complex; minus strand). Cytogenetic location: 15q21.2.
Variant type: single nucleotide variant.
Coding change: c.1246-11T>G on transcript NM_138792.4 (MANE Select); 11 bases into the intron before coding-DNA position 1246, T replaced by G.
Molecular consequence: intron variant.
Genome position (GRCh38, 1-based): chr15:51,954,586, A>C on the plus strand (T>G on the coding strand, the complement: LEO1 is on the minus strand). VCF-style: chr15-51954586-A-C. GRCh37 (hg19) VCF-style: chr15-52246783-A-C.
Other names: c.1161-1323T>G (NM_001286430.2); c.1246-11T>G (NM_001323904.2, NM_001426598.1, NM_001323903.2 and 1 more transcripts).
Identifiers: ClinVar variation 4854789 (VCV004854789.1).